The following is an entry in ClinVar:

NM_152296.5(ATP1A3):c.606+5G>A

Gene: ATP1A3 (ATPase Na+/K+ transporting subunit alpha 3; minus strand). Cytogenetic location: 19q13.2.
Variant type: single nucleotide variant.
Coding change: c.606+5G>A on transcript NM_152296.5 (MANE Select); 5 bases into the intron after coding-DNA position 606, G replaced by A.
Molecular consequence: intron variant.
Genome position (GRCh38, 1-based): chr19:41,985,859, C>T on the plus strand (G>A on the coding strand, the complement: ATP1A3 is on the minus strand). VCF-style: chr19-41985859-C-T. GRCh37 (hg19) VCF-style: chr19-42490011-C-T.
Other names: c.645+5G>A (NM_001256214.2); c.639+5G>A (NM_001256213.2).
Identifiers: ClinVar variation 5009622 (VCV005009622.1).

ClinVar aggregate classification (germline): Uncertain significance (1 of 4 stars; one submission).

gnomAD v4.1: 2 of 1,613,886 alleles (0.00012%); highest among the groups gnomAD compares: African/African-American, 0.0013%; no homozygotes.

Submission:

GeneDx
Classification: Uncertain significance. Last evaluated: 2026-02-24. Review status: criteria provided, single submitter. Criteria: GeneDx Variant Classification Process June 2021. Collection method: clinical testing. Allele origin: germline.
Comment: Not observed at significant frequency in large population cohorts (gnomAD); In silico analysis suggests that this variant does not alter splicing; Has not been previously published as pathogenic or benign to our knowledge